The following is an entry in ClinVar:

ClinVar aggregate classification (germline): Likely benign. Review status: criteria provided, multiple submitters, no conflicts (2 of 4 stars). 3 submissions from 3 submitters: Likely benign (2). 1 of the submissions does not count toward it. Last evaluated 2024-04-02.

Conditions:
ACADS-related disorder. Also called: ACADS-related condition.
Deficiency of butyryl-CoA dehydrogenase (ACADSD). Also called: SCAD Deficiency; SCAD DEFICIENCY, MILD; ACYL-CoA DEHYDROGENASE, SHORT-CHAIN, DEFICIENCY OF; SCADH DEFICIENCY; ACADS DEFICIENCY; Short-Chain Acyl-CoA Dehydrogenase Deficiency. Identifiers: Orphanet 26792, MedGen C0342783, MONDO:0008722, OMIM 201470. Disease mechanism: May be benign.

Allele frequency attached by ClinVar (database versions not stated): gnomAD 0.00001 and 0.00003; gnomAD exomes 0.00001 and 0.00002; TOPMed 0.00001; ExAC 0.00003.

Submissions (3):

Blueprint Genetics
Classification: Likely benign. Last evaluated: 2024-04-02. Review status: criteria provided, single submitter. Criteria: ACMG Guidelines, 2015. Collection method: clinical testing. Allele origin: germline.

Labcorp Genetics (formerly Invitae), Labcorp
Classification: Likely benign for Deficiency of butyryl-CoA dehydrogenase. Last evaluated: 2024-03-22. Review status: criteria provided, single submitter. Criteria: Invitae Variant Classification Sherloc (09022015). Collection method: clinical testing. Allele origin: germline.

PreventionGenetics, part of Exact Sciences
Classification: Likely benign for ACADS-related condition. Last evaluated: 2021-01-20. Review status: no assertion criteria provided. Collection method: clinical testing. Allele origin: germline. Not counted in ClinVar's aggregate classification.
Comment: This variant is classified as likely benign based on ACMG/AMP sequence variant interpretation guidelines (Richards et al. 2015 PMID: 25741868, with internal and published modifications).

NM_000017.4(ACADS):c.1173C>T (p.Tyr391=)

Gene: ACADS (acyl-CoA dehydrogenase short chain; plus strand). Cytogenetic location: 12q24.31.
Variant type: single nucleotide variant.
Coding change: c.1173C>T on transcript NM_000017.4 (MANE Select); coding-DNA position 1173, C replaced by T.
Protein change: p.Tyr391=; no amino-acid change (tyrosine 391 retained).
Molecular consequence: synonymous variant.
Genome position (GRCh38, 1-based): chr12:120,739,382, C>T. VCF-style: chr12-120739382-C-T. GRCh37 (hg19) VCF-style: chr12-121177185-C-T.
Other names: c.1161C>T, p.Tyr387= (NM_001302554.2); c.1173C>T (NM_000017.3).
Identifiers: ClinVar variation 1548999 (VCV001548999.11), dbSNP rs766657084, ClinGen allele CA6831233.